The following is an entry in ClinVar:

ClinVar aggregate classification (germline): Uncertain significance (1 of 4 stars; one submission).

Submission:

Labcorp Genetics (formerly Invitae), Labcorp
Classification: Uncertain significance. Last evaluated: 2022-05-13. Review status: criteria provided, single submitter. Criteria: Invitae Variant Classification Sherloc (09022015). Collection method: clinical testing. Allele origin: germline.
Comment: In summary, the available evidence is currently insufficient to determine the role of this variant in disease. Therefore, it has been classified as a Variant of Uncertain Significance. Algorithms developed to predict the effect of missense changes on protein structure and function are either unavailable or do not agree on the potential impact of this missense change (SIFT: "Tolerated"; PolyPhen-2: "Probably Damaging"; Align-GVGD: "Class C0"). This variant has not been reported in the literature in individuals affected with FRMD7-related conditions. This variant is not present in population databases (gnomAD no frequency). This sequence change replaces histidine, which is basic and polar, with arginine, which is basic and polar, at codon 237 of the FRMD7 protein (p.His237Arg).

NM_194277.3(FRMD7):c.710A>G (p.His237Arg)

Gene: FRMD7 (FERM domain containing 7; minus strand). Cytogenetic location: Xq26.2.
Variant type: single nucleotide variant.
Coding change: c.710A>G on transcript NM_194277.3 (MANE Select); coding-DNA position 710, A replaced by G.
Protein change: p.His237Arg; replaces histidine 237 with arginine.
Molecular consequence: missense variant.
Genome position (GRCh38, 1-based): chrX:132,084,521, T>C on the plus strand (A>G on the coding strand, the complement: FRMD7 is on the minus strand). VCF-style: chrX-132084521-T-C. GRCh37 (hg19) VCF-style: chrX-131218549-T-C.
Other names: c.665A>G, p.His222Arg (NM_001306193.2); short protein forms H222R, H237R.
Identifiers: ClinVar variation 2122214 (VCV002122214.4), dbSNP rs2520745919, ClinGen allele CA414680769.